The following is an entry in ClinVar:

ClinVar aggregate classification (germline): Likely benign (1 of 4 stars; one submission).

gnomAD v4.1: 196 of 702,802 alleles (0.028%); highest among the groups gnomAD compares: East Asian, 0.46%; 1 homozygote.

Submission:

Women's Health and Genetics/Laboratory Corporation of America, LabCorp
Classification: Likely benign. Last evaluated: 2024-11-19. Review status: criteria provided, single submitter. Criteria: LabCorp Variant Classification Summary - May 2015. Collection method: clinical testing. Allele origin: germline.
Comment: Variant summary: ACAN c.7039G>A (p.Glu2347Lys) results in a conservative amino acid change in the encoded protein sequence. Three of four in-silico tools predict a benign effect of the variant on protein function. The variant allele was found at a frequency of 0.00036 in 134266 control chromosomes, predominantly at a frequency of 0.0045 within the East Asian subpopulation in the gnomAD database. The observed variant frequency within East Asian control individuals in the gnomAD database exceeds the estimated maximal expected allele frequency for a pathogenic variant in ACAN causing ACAN-Related Disorders phenotype. To our knowledge, no occurrence of c.7039G>A in individuals affected with ACAN-Related Disorders and no experimental evidence demonstrating its impact on protein function have been reported. No submitters have cited clinical-significance assessments for this variant to ClinVar. Based on the evidence outlined above, the variant was classified as likely benign.

NM_001369268.1(ACAN):c.7039G>A (p.Glu2347Lys)

Gene: ACAN (aggrecan; plus strand). Cytogenetic location: 15q26.1.
Variant type: single nucleotide variant.
Coding change: c.7039G>A on transcript NM_001369268.1 (MANE Select); coding-DNA position 7039, G replaced by A.
Protein change: p.Glu2347Lys; replaces glutamic acid 2347 with lysine.
Molecular consequence: missense variant. On other transcripts: intron variant (3).
Genome position (GRCh38, 1-based): chr15:88,868,308, G>A. VCF-style: chr15-88868308-G-A. GRCh37 (hg19) VCF-style: chr15-89411539-G-A.
Other names: c.6925G>A, p.Glu2309Lys (NM_001411097.1); c.6947-3074G>A (NM_013227.4); c.6833-3074G>A (NM_001411096.1, NM_001135.4); short protein forms E2309K, E2347K.
Identifiers: ClinVar variation 3630004 (VCV003630004.1).